The following is an entry in ClinVar:

ClinVar aggregate classification (germline): Likely pathogenic (1 of 4 stars; one submission).

Submission:

Labcorp Genetics (formerly Invitae), Labcorp
Classification: Likely pathogenic. Last evaluated: 2025-11-19. Review status: criteria provided, single submitter. Criteria: Invitae Variant Classification Sherloc (09022015). Collection method: clinical testing. Allele origin: germline.
Comment: This sequence change replaces glutamic acid, which is acidic and polar, with aspartic acid, which is acidic and polar, at codon 1022 of the ABCA4 protein (p.Glu1022Asp). This variant is not present in population databases (gnomAD no frequency). This variant has not been reported in the literature in individuals affected with ABCA4-related conditions. ClinVar contains an entry for this variant (Variation ID: 1502385). Invitae Evidence Modeling of protein sequence and biophysical properties (such as structural, functional, and spatial information, amino acid conservation, physicochemical variation, residue mobility, and thermodynamic stability) indicates that this missense variant is expected to disrupt ABCA4 protein function with a positive predictive value of 95%. This variant disrupts the p.Glu1022 amino acid residue in ABCA4. Other variant(s) that disrupt this residue have been determined to be pathogenic (PMID: 11702214, 23982839, 30834176). This suggests that this residue is clinically significant, and that variants that disrupt this residue are likely to be disease-causing. In summary, the currently available evidence indicates that the variant is pathogenic, but additional data are needed to prove that conclusively. Therefore, this variant has been classified as Likely Pathogenic.

Literature cited by the submitters: PubMed 11702214; PubMed 23982839; PubMed 30834176.

NM_000350.3(ABCA4):c.3066G>C (p.Glu1022Asp)

Gene: ABCA4 (ATP binding cassette subfamily A member 4; minus strand). Cytogenetic location: 1p22.1.
Variant type: single nucleotide variant.
Coding change: c.3066G>C on transcript NM_000350.3 (MANE Select); coding-DNA position 3066, G replaced by C.
Protein change: p.Glu1022Asp; replaces glutamic acid 1022 with aspartic acid.
Molecular consequence: missense variant.
Genome position (GRCh38, 1-based): chr1:94,043,460, C>G on the plus strand (G>C on the coding strand, the complement: ABCA4 is on the minus strand). VCF-style: chr1-94043460-C-G. GRCh37 (hg19) VCF-style: chr1-94509016-C-G.
Other names: c.2844G>C, p.Glu948Asp (NM_001425324.1); short protein forms E1022D, E948D.
Identifiers: ClinVar variation 1502385 (VCV001502385.6), dbSNP rs2101051595, ClinGen allele CA341292688.